The following is an entry in ClinVar:

ClinVar aggregate classification (germline): Benign/Likely benign. Review status: criteria provided, multiple submitters, no conflicts (2 of 4 stars). 5 submissions from 5 submitters: Benign (1); Likely benign (4). Last evaluated 2025-11-10.

Conditions:
BAP1-related tumor predisposition syndrome (TPDS1). Also called: BAP1 tumor predisposition syndrome; COMMON Syndrome; TUMOR PREDISPOSITION SYNDROME 1; Tumor susceptibility linked to germline BAP1 mutations. Identifiers: Orphanet 289539, MedGen C3280492, MONDO:0013692, OMIM 614327.
Hereditary cancer-predisposing syndrome. Also called: Neoplastic Syndromes, Hereditary; Tumor predisposition; Hereditary Cancer Syndrome; Hereditary neoplastic syndrome. Identifiers: Orphanet 140162, MedGen C0027672, MeSH D009386, MONDO:0015356.

Allele frequency attached by ClinVar (database versions not stated): ExAC 0.00001; gnomAD exomes 0.00001.

Submissions (5):

Labcorp Genetics (formerly Invitae), Labcorp
Classification: Likely benign for BAP1-related tumor predisposition syndrome. Last evaluated: 2025-11-10. Review status: criteria provided, single submitter. Criteria: Invitae Variant Classification Sherloc (09022015). Collection method: clinical testing. Allele origin: germline.

Myriad Genetics, Inc.
Classification: Benign for BAP1-related tumor predisposition syndrome. Last evaluated: 2024-07-11. Review status: criteria provided, single submitter. Criteria: Myriad Autosomal Dominant, Autosomal Recessive and X-Linked Classification Criteria (2023). Collection method: clinical testing. Allele origin: unknown.
Comment: This variant is considered benign. This variant is a silent/synonymous amino acid change and it is not expected to impact splicing.

GeneDx
Classification: Likely benign. Last evaluated: 2020-12-21. Review status: criteria provided, single submitter. Criteria: GeneDx Variant Classification Process June 2021. Collection method: clinical testing. Allele origin: germline. Affected: yes.

Ambry Genetics
Classification: Likely benign for Hereditary cancer-predisposing syndrome. Last evaluated: 2019-10-01. Review status: criteria provided, single submitter. Criteria: Ambry Variant Classification Scheme 2023. Collection method: clinical testing. Allele origin: germline.

Color Diagnostics, LLC DBA Color Health
Classification: Likely benign for Hereditary cancer-predisposing syndrome. Last evaluated: 2017-08-31. Review status: criteria provided, single submitter. Criteria: ACMG Guidelines, 2015. Collection method: clinical testing. Allele origin: germline.

NM_004656.4(BAP1):c.174C>G (p.Ser58=)

Gene: BAP1 (BRCA1 associated deubiquitinase 1; minus strand). Cytogenetic location: 3p21.1.
Variant type: single nucleotide variant.
Coding change: c.174C>G on transcript NM_004656.4 (MANE Select); coding-DNA position 174, C replaced by G.
Protein change: p.Ser58=; no amino-acid change (serine 58 retained).
Molecular consequence: synonymous variant.
Genome position (GRCh38, 1-based): chr3:52,408,555, G>C on the plus strand (C>G on the coding strand, the complement: BAP1 is on the minus strand). VCF-style: chr3-52408555-G-C. GRCh37 (hg19) VCF-style: chr3-52442571-G-C.
Identifiers: ClinVar variation 472677 (VCV000472677.16), dbSNP rs776102639, ClinGen allele CA2437167.